The following is an entry in ClinVar:

NM_000081.4(LYST):c.5611A>C (p.Ile1871Leu)

Gene: LYST (lysosomal trafficking regulator; minus strand). Cytogenetic location: 1q42.3.
Variant type: single nucleotide variant.
Coding change: c.5611A>C on transcript NM_000081.4 (MANE Select); coding-DNA position 5611, A replaced by C.
Protein change: p.Ile1871Leu; replaces isoleucine 1871 with leucine.
Molecular consequence: missense variant.
Genome position (GRCh38, 1-based): chr1:235,774,936, T>G on the plus strand (A>C on the coding strand, the complement: LYST is on the minus strand). VCF-style: chr1-235774936-T-G. GRCh37 (hg19) VCF-style: chr1-235938236-T-G.
Other names: c.5611A>C, p.Ile1871Leu (NM_001301365.1); short protein forms I1871L.
Identifiers: ClinVar variation 2048981 (VCV002048981.1), dbSNP rs375913409, ClinGen allele CA1466590.
Genomic context (GRCh38, chr1:235,774,936, plus strand): 5'-ATATGAAACTATAAGAATAAATTTTATGAAGACATACCTTCAAAATGTAAAACCCAACAA[T>G]GCATTTTTGTTTGATCAACACCTGATGAATCATAGAAAGTCCATTACAATTTTCTAATTC-3'
Protein context (NP_000072.2, residues 1861-1881): IHQVLIKQKC[Ile1871Leu]VGFYILKTLL

ClinVar aggregate classification (germline): Uncertain significance (1 of 4 stars; one submission).

Conditions:
Chédiak-Higashi syndrome (CHS). Also called: Chediak-Higashi Syndrome. Identifiers: Orphanet 167, MedGen C0007965, MONDO:0008963, OMIM 214500.

Allele frequency attached by ClinVar (database versions not stated): gnomAD exomes 0.00002; ESP Exome Variant Server 0.00008.
gnomAD v4.1: 28 of 1,609,792 alleles (0.0017%); highest among the groups gnomAD compares: Non-Finnish European, 0.0021%; no homozygotes.

Submission:

Labcorp Genetics (formerly Invitae), Labcorp
Classification: Uncertain significance for Chédiak-Higashi syndrome. Last evaluated: 2022-05-28. Review status: criteria provided, single submitter. Criteria: Invitae Variant Classification Sherloc (09022015). Collection method: clinical testing. Allele origin: germline.
Comment: This sequence change replaces isoleucine, which is neutral and non-polar, with leucine, which is neutral and non-polar, at codon 1871 of the LYST protein (p.Ile1871Leu). This variant is present in population databases (rs375913409, gnomAD 0.009%). This variant has not been reported in the literature in individuals affected with LYST-related conditions. Algorithms developed to predict the effect of missense changes on protein structure and function (SIFT, PolyPhen-2, Align-GVGD) all suggest that this variant is likely to be tolerated. In summary, the available evidence is currently insufficient to determine the role of this variant in disease. Therefore, it has been classified as a Variant of Uncertain Significance.